The following is an entry in ClinVar:

NM_000321.3(RB1):c.2293A>T (p.Lys765Ter)

Gene: RB1 (RB transcriptional corepressor 1; plus strand). Cytogenetic location: 13q14.2.
Variant type: single nucleotide variant.
Coding change: c.2293A>T on transcript NM_000321.3 (MANE Select); coding-DNA position 2293, A replaced by T.
Protein change: p.Lys765Ter; replaces lysine 765 with a stop codon.
Molecular consequence: nonsense.
Genome position (GRCh38, 1-based): chr13:48,465,079, A>T. VCF-style: chr13-48465079-A-T. GRCh37 (hg19) VCF-style: chr13-49039215-A-T.
Other names: c.2293A>T (NM_000321.2); short protein forms K765*.
Identifiers: ClinVar variation 995910 (VCV000995910.3), dbSNP rs2138344925, ClinGen allele CA388167664.
Genomic context (GRCh38, chr13:48,465,079, plus strand): 5'-AAAGAAGAGGAGTATGATTCTATTATAGTATTCTATAACTCGGTCTTCATGCAGAGACTG[A>T]AAACAAATATTTTGCAGTATGCTTCCACCAGGGTAGGTCAAAAGTATCCTTTGATTGGAA-3'

ClinVar aggregate classification (germline): Pathogenic. Review status: criteria provided, multiple submitters, no conflicts (2 of 4 stars). 3 submissions from 3 submitters: Pathogenic (3). Last evaluated 2024-11-08.

Conditions:
Retinoblastoma (RB1). Also called: RETINOBLASTOMA, SOMATIC. Identifiers: Orphanet 790, MedGen C0035335, MeSH D012175, MONDO:0008380, OMIM 180200, HP:0009919. Disease mechanism: loss of function. Inheritance: Both sporadic and heritable forms are tested..
Hereditary cancer-predisposing syndrome. Also called: Neoplastic Syndromes, Hereditary; Hereditary Cancer Syndrome; Tumor predisposition; Hereditary neoplastic syndrome. Identifiers: Orphanet 140162, MedGen C0027672, MeSH D009386, MONDO:0015356.

Submissions (3):

Ambry Genetics
Classification: Pathogenic for Hereditary cancer-predisposing syndrome. Last evaluated: 2024-11-08. Review status: criteria provided, single submitter. Criteria: Ambry Variant Classification Scheme 2023. Collection method: clinical testing. Allele origin: germline.
Comment: The p.K765* pathogenic mutation (also known as c.2293A>T), located in coding exon 22 of the RB1 gene, results from an A to T substitution at nucleotide position 2293. This changes the amino acid from a lysine to a stop codon within coding exon 22. This variant has been reported as a de novo finding in individuals with features consistent with RB1-related hereditary retinoblastoma (Aggarwala V et al. BMC Genomics, 2017 Feb;18:155; Rodr&iacute;guez-Mart&iacute;n C et al. J Hum Genet, 2020 Jan;65:165-174; Fiala EM et al. Nat Cancer, 2021 Mar;2:357-365). This variant is considered to be rare based on population cohorts in the Genome Aggregation Database (gnomAD). In addition to the clinical data presented in the literature, this alteration is expected to result in loss of function by premature protein truncation or nonsense-mediated mRNA decay. As such, this alteration is interpreted as a disease-causing mutation.

Genetic Diagnostic Laboratory, University of Pennsylvania School of Medicine
Classification: Pathogenic for Retinoblastoma. Last evaluated: 2024-05-20. Review status: criteria provided, single submitter. Criteria: ACMG Guidelines, 2015. Collection method: clinical testing. Allele origin: germline. Affected: yes. Observed: 1 variant allele.
Comment: Case and Pedigree Information: BILATERAL CASES:1, UNILATERAL CASES:0, TOTAL CASES:1, PEDIGREES:1. ACMG Codes Applied:PVS1, PM2

Department of Pediatrics, Memorial Sloan Kettering Cancer Center
Classification: Pathogenic for Retinoblastoma. Last evaluated: 2020-12-15. Review status: criteria provided, single submitter. Criteria: ACMG Guidelines, 2015. Collection method: research. Allele origin: germline. Affected: yes.

Literature cited by the submitters: PubMed 28193182 (cited by Ambry Genetics); PubMed 31772335 (cited by Ambry Genetics); PubMed 34308366 (cited by Ambry Genetics); PubMed 28873162 (cited by Department of Pediatrics, Memorial Sloan Kettering Cancer Center).